The following is an entry in ClinVar:

NM_004973.4(JARID2):c.839C>A (p.Ala280Asp)

Gene: JARID2 (jumonji and AT-rich interaction domain containing 2; plus strand). Cytogenetic location: 6p22.3.
Variant type: single nucleotide variant.
Coding change: c.839C>A on transcript NM_004973.4 (MANE Select); coding-DNA position 839, C replaced by A.
Protein change: p.Ala280Asp; replaces alanine 280 with aspartic acid.
Molecular consequence: missense variant.
Genome position (GRCh38, 1-based): chr6:15,487,475, C>A. VCF-style: chr6-15487475-C-A. GRCh37 (hg19) VCF-style: chr6-15487706-C-A.
Other names: c.323C>A, p.Ala108Asp (NM_001267040.1); short protein forms A280D, A108D.
Identifiers: ClinVar variation 3723786 (VCV003723786.2).

ClinVar aggregate classification (germline): Uncertain significance (1 of 4 stars; one submission).

Submission:

Labcorp Genetics (formerly Invitae), Labcorp
Classification: Uncertain significance. Last evaluated: 2024-10-25. Review status: criteria provided, single submitter. Criteria: Invitae Variant Classification Sherloc (09022015). Collection method: clinical testing. Allele origin: germline.
Comment: This sequence change replaces alanine, which is neutral and non-polar, with aspartic acid, which is acidic and polar, at codon 280 of the JARID2 protein (p.Ala280Asp). This variant is not present in population databases (gnomAD no frequency). This variant has not been reported in the literature in individuals affected with JARID2-related conditions. An algorithm developed to predict the effect of missense changes on protein structure and function (PolyPhen-2) suggests that this variant is likely to be tolerated. In summary, the available evidence is currently insufficient to determine the role of this variant in disease. Therefore, it has been classified as a Variant of Uncertain Significance.